The following is an entry in ClinVar:

ClinVar aggregate classification (germline): Benign/Likely benign. Review status: criteria provided, multiple submitters, no conflicts (2 of 4 stars). 8 submissions from 8 submitters: Benign (1); Likely benign (5). 2 of the submissions do not count toward it. Last evaluated 2025-10-26.

Conditions:
LRRK2-related disorder. Also called: LRRK2-related condition.
Inborn genetic diseases. Identifiers: MedGen C0950123, MeSH D030342.
Autosomal dominant Parkinson disease 8. Also called: LRRK2-Related Parkinson Disease; Parkinson disease 8; Parkinson disease 8, susceptibility to. Identifiers: Orphanet 411602, MedGen C1846862, MONDO:0011764, OMIM 607060.

Allele frequency attached by ClinVar (database versions not stated): gnomAD 0.00015 and 0.00016; TOPMed 0.00017; gnomAD exomes 0.00021 and 0.00022; ExAC 0.00030; ESP Exome Variant Server 0.00031.
gnomAD v4.1: 334 of 1,613,822 alleles (0.021%); highest among the groups gnomAD compares: Non-Finnish European, 0.027%; no homozygotes.

Submissions (8):

Labcorp Genetics (formerly Invitae), Labcorp
Classification: Likely benign for Autosomal dominant Parkinson disease 8. Last evaluated: 2025-10-26. Review status: criteria provided, single submitter. Criteria: Invitae Variant Classification Sherloc (09022015). Collection method: clinical testing. Allele origin: germline.

Ambry Genetics
Classification: Likely benign for Inborn genetic diseases. Last evaluated: 2025-04-11. Review status: criteria provided, single submitter. Criteria: Ambry Variant Classification Scheme 2023. Collection method: clinical testing. Allele origin: germline.

Blueprint Genetics
Classification: Likely benign. Last evaluated: 2024-06-07. Review status: criteria provided, single submitter. Criteria: ACMG Guidelines, 2015. Collection method: clinical testing. Allele origin: germline.

CeGaT Center for Human Genetics Tuebingen
Classification: Likely benign. Last evaluated: 2023-10-01. Review status: criteria provided, single submitter. Criteria: CeGaT Center For Human Genetics Tuebingen Variant Classification Criteria Version 2. Collection method: clinical testing. Allele origin: germline. Affected: yes. Observed: 1 variant allele.
Comment: LRRK2: BP4, BP7

Athena Diagnostics
Classification: Benign. Last evaluated: 2021-05-12. Review status: criteria provided, single submitter. Criteria: Athena Diagnostics criteria. Collection method: clinical testing. Allele origin: unknown.

GeneDx
Classification: Likely benign. Last evaluated: 2020-08-11. Review status: criteria provided, single submitter. Criteria: GeneDx Variant Classification Process June 2021. Collection method: clinical testing. Allele origin: germline. Affected: yes.
Comment: This variant is associated with the following publications: (PMID: 31589614, 21885347, 15541309, 16157908, 17523199, 17415511, 16616379)

PreventionGenetics, part of Exact Sciences
Classification: Likely benign for LRRK2-related condition. Last evaluated: 2021-03-22. Review status: no assertion criteria provided. Collection method: clinical testing. Allele origin: germline. Not counted in ClinVar's aggregate classification.
Comment: This variant is classified as likely benign based on ACMG/AMP sequence variant interpretation guidelines (Richards et al. 2015 PMID: 25741868, with internal and published modifications).

GeneReviews
No classification provided. Condition: Autosomal dominant Parkinson disease 8. Review status: no classification provided. Collection method: literature only. Allele origin: unknown. Not counted in ClinVar's aggregate classification.

Literature cited by the submitters: PubMed 16333314 (cited by Athena Diagnostics); PubMed 19527940 (cited by Athena Diagnostics); PubMed 15541309 (cited by Athena Diagnostics and GeneReviews); PubMed 17050822 (cited by Athena Diagnostics); PubMed 16157908 (cited by Athena Diagnostics); PubMed 33158606 (cited by Athena Diagnostics); PubMed 17803033 (cited by Athena Diagnostics); PubMed 17078063 (cited by Athena Diagnostics); PubMed 16251215 (cited by Athena Diagnostics); PubMed 21885347 (cited by Athena Diagnostics); PubMed 15880653 (cited by Athena Diagnostics); PubMed 15852371 (cited by Athena Diagnostics); PubMed 16758483 (cited by Athena Diagnostics); PubMed 16269443 (cited by Athena Diagnostics); PubMed 16939701 (cited by Athena Diagnostics); PubMed 16602113 (cited by Athena Diagnostics); PubMed 20301387 (cited by GeneReviews); NCBI Bookshelf NBK1208 (cited by GeneReviews).

NM_198578.4(LRRK2):c.3342A>G (p.Leu1114=)

Gene: LRRK2 (leucine rich repeat kinase 2; plus strand). Cytogenetic location: 12q12.
Variant type: single nucleotide variant.
Coding change: c.3342A>G on transcript NM_198578.4 (MANE Select); coding-DNA position 3342, A replaced by G.
Protein change: p.Leu1114=; no amino-acid change (leucine 1114 retained).
Molecular consequence: synonymous variant.
Genome position (GRCh38, 1-based): chr12:40,298,488, A>G. VCF-style: chr12-40298488-A-G. GRCh37 (hg19) VCF-style: chr12-40692290-A-G.
Identifiers: ClinVar variation 39164 (VCV000039164.44), dbSNP rs35808389, ClinGen allele CA343539.